The following is an entry in ClinVar:

NM_003079.5(SMARCE1):c.58C>T (p.Pro20Ser)

Gene: SMARCE1 (SWI/SNF related BAF chromatin remodeling complex subunit E1; minus strand). Cytogenetic location: 17q21.2.
Variant type: single nucleotide variant.
Coding change: c.58C>T on transcript NM_003079.5 (MANE Select); coding-DNA position 58, C replaced by T.
Protein change: p.Pro20Ser; replaces proline 20 with serine.
Molecular consequence: missense variant.
Genome position (GRCh38, 1-based): chr17:40,642,553, G>A on the plus strand (C>T on the coding strand, the complement: SMARCE1 is on the minus strand). VCF-style: chr17-40642553-G-A. GRCh37 (hg19) VCF-style: chr17-38798805-G-A.
Other names: short protein forms P20S.
Identifiers: ClinVar variation 2038983 (VCV002038983.4), dbSNP rs2508613646, ClinGen allele CA399370021.
Genomic context (GRCh38, chr17:40,642,553, plus strand): 5'-TGTAGTTGTTGTAGGCGAGATGACTGTATGGATTGTATCCCACAAACCCTGGTGTGCTGG[G>A]CATTTGCTGATGGAAACAAATGAGACAAAAACACGAATGAGAAATGAGCTCAAACGAGGA-3'
Protein context (NP_003070.3, residues 10-30): PPTPAPATQM[Pro20Ser]STPGFVGYNP

ClinVar aggregate classification (germline): Uncertain significance (1 of 4 stars; one submission).

Conditions:
Familial meningioma. Also called: Meningioma, familial, susceptibility to. Identifiers: Orphanet 263662, MedGen C3551915, MONDO:0011789, OMIM 607174.

Submission:

Labcorp Genetics (formerly Invitae), Labcorp
Classification: Uncertain significance for Familial meningioma. Last evaluated: 2022-08-06. Review status: criteria provided, single submitter. Criteria: Invitae Variant Classification Sherloc (09022015). Collection method: clinical testing. Allele origin: germline.
Comment: In summary, the available evidence is currently insufficient to determine the role of this variant in disease. Therefore, it has been classified as a Variant of Uncertain Significance. Algorithms developed to predict the effect of missense changes on protein structure and function are either unavailable or do not agree on the potential impact of this missense change (SIFT: "Tolerated"; PolyPhen-2: "Possibly Damaging"; Align-GVGD: "Class C0"). This sequence change replaces proline, which is neutral and non-polar, with serine, which is neutral and polar, at codon 20 of the SMARCE1 protein (p.Pro20Ser). This variant is not present in population databases (gnomAD no frequency). This variant has not been reported in the literature in individuals affected with SMARCE1-related conditions.